The following is an entry in ClinVar:

NM_053056.3(CCND1):c.669C>T (p.Phe223=)

Gene: CCND1 (cyclin D1; plus strand). Cytogenetic location: 11q13.3.
Variant type: single nucleotide variant.
Coding change: c.669C>T on transcript NM_053056.3 (MANE Select); coding-DNA position 669, C replaced by T.
Protein change: p.Phe223=; no amino-acid change (phenylalanine 223 retained).
Molecular consequence: synonymous variant.
Genome position (GRCh38, 1-based): chr11:69,648,088, C>T. VCF-style: chr11-69648088-C-T. GRCh37 (hg19) VCF-style: chr11-69462856-C-T.
Identifiers: ClinVar variation 1250573 (VCV001250573.5), dbSNP rs3862792, ClinGen allele CA6156260.

ClinVar aggregate classification (germline): Benign. Review status: criteria provided, multiple submitters, no conflicts (2 of 4 stars). 3 submissions from 3 submitters: Benign (2). 1 of the submissions does not count toward it. Last evaluated 2021-05-04.

Conditions:
CCND1-related disorder. Also called: CCND1-related condition.

Allele frequency attached by ClinVar (database versions not stated): gnomAD exomes 0.03271 and 0.03935; ExAC 0.04334; ESP Exome Variant Server 0.05936; gnomAD 0.05988 and 0.06002; TOPMed 0.06360; 1000 Genomes Project 30x 0.08276; 1000 Genomes Project 0.08287.
gnomAD v4.1: 57,462 of 1,613,888 alleles (3.6%); highest among the groups gnomAD compares: African/African-American, 14%; 1,820 homozygotes.

Submissions (3):

GeneDx
Classification: Benign. Last evaluated: 2021-05-04. Review status: criteria provided, single submitter. Criteria: GeneDx Variant Classification Process June 2021. Collection method: clinical testing. Allele origin: germline. Affected: yes.

Breakthrough Genomics
Classification: Benign. Review status: criteria provided, single submitter. Criteria: ACMG Guidelines, 2015. Collection method: not provided. Allele origin: germline. Inheritance: Autosomal dominant inheritance. Affected: yes.

PreventionGenetics, part of Exact Sciences
Classification: Benign for CCND1-related condition. Last evaluated: 2020-01-20. Review status: no assertion criteria provided. Collection method: clinical testing. Allele origin: germline. Not counted in ClinVar's aggregate classification.
Comment: This variant is classified as benign based on ACMG/AMP sequence variant interpretation guidelines (Richards et al. 2015 PMID: 25741868, with internal and published modifications).